The following is an entry in ClinVar:

NM_000179.3(MSH6):c.4022_4025dup (p.Ser1343fs)

Gene: MSH6 (mutS homolog 6; plus strand). Cytogenetic location: 2p16.3.
Variant type: Duplication.
Coding change: c.4022_4025dup on transcript NM_000179.3 (MANE Select); coding-DNA positions 4022 to 4025, 4 bases duplicated (AAAG; older notation c.4022_4025dupAAAG).
Protein change: p.Ser1343fs; shifts the reading frame from serine 1343.
Molecular consequence: frameshift variant. On other transcripts: 3 prime UTR variant (5), non-coding transcript variant (5).
Genome position (GRCh38, 1-based): chr2:47,806,799-47,806,802, AAAG duplicated; duplicating any 4 consecutive bases within chr2:47,806,798-47,806,802 gives the same sequence; the c. name uses the placement nearest the transcript's 3' end. VCF-style (leftmost placement, unchanged base first): chr2-47806797-T-TGAAA. GRCh37 (hg19) VCF-style: chr2-48033936-T-TGAAA.
Other names: c.3632_3635dup, p.Ser1213fs (NM_001281492.2); c.3116_3119dup, p.Ser1041fs (NM_001281493.2, NM_001281494.2, NM_001406811.1 and 6 more transcripts); c.4118_4121dup, p.Ser1375fs (NM_001406795.1); c.4022_4025dup, p.Ser1343fs (NM_001406796.1, NM_001406809.1); c.3725_3728dup, p.Ser1244fs (NM_001406797.1, NM_001406805.1, NM_001406818.1 and 8 more transcripts); c.3848_3851dup, p.Ser1285fs (NM_001406798.1); c.3497_3500dup, p.Ser1168fs (NM_001406799.1, NM_001406806.1, NM_001406807.1); c.*43_*46dup (NM_001406800.1); and 9 more; short protein forms S1213fs, S1343fs, S1345fs, S1375fs, S658fs, S1168fs, S1285fs, S1055fs.
Identifiers: ClinVar variation 4731414 (VCV004731414.1).

ClinVar aggregate classification (germline): Uncertain significance (1 of 4 stars; one submission).

Conditions:
Hereditary nonpolyposis colorectal neoplasms. Identifiers: MedGen C0009405, MeSH D003123.

Submission:

Labcorp Genetics (formerly Invitae), Labcorp
Classification: Uncertain significance for Hereditary nonpolyposis colorectal neoplasms. Last evaluated: 2025-11-18. Review status: criteria provided, single submitter. Criteria: Invitae Variant Classification Sherloc (09022015). Collection method: clinical testing. Allele origin: germline.
Comment: This sequence change creates a premature translational stop signal (p.Ser1343Lysfs*7) in the MSH6 gene. While this is not anticipated to result in nonsense mediated decay, it is expected to disrupt the last 18 amino acid(s) of the MSH6 protein. This variant is not present in population databases (gnomAD no frequency). This variant has not been reported in the literature in individuals affected with MSH6-related conditions. Experimental studies and prediction algorithms are not available or were not evaluated, and the functional significance of this variant is currently unknown. In summary, the available evidence is currently insufficient to determine the role of this variant in disease. Therefore, it has been classified as a Variant of Uncertain Significance.